The following is an entry in ClinVar:

NM_001278116.2(L1CAM):c.1267+1G>A

Gene: L1CAM (L1 cell adhesion molecule; minus strand). Cytogenetic location: Xq28.
Variant type: single nucleotide variant.
Coding change: c.1267+1G>A on transcript NM_001278116.2 (MANE Select); the canonical splice donor site of the intron after coding-DNA position 1267, G replaced by A.
Molecular consequence: splice donor variant.
Genome position (GRCh38, 1-based): chrX:153,869,519, C>T on the plus strand (G>A on the coding strand, the complement: L1CAM is on the minus strand). VCF-style: chrX-153869519-C-T. GRCh37 (hg19) VCF-style: chrX-153134974-C-T.
Other names: c.1252+1G>A (NM_001143963.2); c.1267+1G>A (NM_024003.3, NM_000425.5).
Identifiers: ClinVar variation 449047 (VCV000449047.19), dbSNP rs1557092247, ClinGen allele CA415128986.

ClinVar aggregate classification (germline): Pathogenic/Likely pathogenic. Review status: criteria provided, multiple submitters, no conflicts (2 of 4 stars). 5 submissions from 5 submitters: Pathogenic (4); Likely pathogenic (1). Last evaluated 2026-03-22.

Conditions:
Spastic paraplegia. Identifiers: MedGen C0037772, HP:0001258.
L1CAM-related disorders.
X-linked hydrocephalus syndrome (HYCX). Also called: AQUEDUCTAL STENOSIS, X-LINKED; X-Linked Hydrocephalus with Stenosis of the Aqueduct of Sylvius; X-linked hydrocephalus; X-Linked Hydrocephalus with Stenosis of the Aqueduct of Sylvius (HSAS); HYDROCEPHALUS, CONGENITAL, X-LINKED. Identifiers: Orphanet 2182, MedGen C0265216, MONDO:0010611, OMIM 307000.
L1 syndrome. Identifiers: Orphanet 275543, MedGen C5779710, MONDO:0017140.

Submissions (5):

GeneDx
Classification: Pathogenic. Last evaluated: 2026-03-22. Review status: criteria provided, single submitter. Criteria: GeneDx Variant Classification Process June 2021. Collection method: clinical testing. Allele origin: germline. Affected: yes.
Comment: Canonical splice site variant predicted to result in an in-frame loss of the adjacent exon in a gene for which loss of function is a known mechanism of disease; Not observed at significant frequency in large population cohorts (gnomAD); This variant is associated with the following publications: (PMID: 9450886, 9300653, 25525159, 12725590, 23820807, 8826452, 25641508)

Department of Maternal-Fetal Biology, National Research Institute for Child Health and Development
Classification: Likely pathogenic for X-linked hydrocephalus syndrome. Last evaluated: 2022-01-01. Review status: criteria provided, single submitter. Criteria: ACMG Guidelines, 2015. Collection method: research. Allele origin: maternal. Affected: yes. Observed: 1 variant allele.

Women's Health and Genetics/Laboratory Corporation of America, LabCorp
Classification: Pathogenic for L1 syndrome. Last evaluated: 2020-09-03. Review status: criteria provided, single submitter. Criteria: LabCorp Variant Classification Summary - May 2015. Collection method: clinical testing. Allele origin: germline.
Comment: Variant summary: L1CAM c.1267+1G>A is located in a canonical splice-site and is predicted to affect mRNA splicing resulting in a significantly altered protein due to either exon skipping, shortening, or inclusion of intronic material. Several computational tools predict a significant impact on normal splicing: Three predict the variant abolishes a 5 splicing donor site. However, these predictions have yet to be confirmed by functional studies. The variant was absent in 179457 control chromosomes (gnomAD). c.1267+1G>A has been reported in the literature in individuals affected with L1 Syndrome (example: Fransen_1996, Fransen_1998, Adle-Biassette_2013). These data indicate that the variant is likely to be associated with disease. To our knowledge, no experimental evidence demonstrating an impact on protein function has been reported. Two ClinVar submitters (evaluation after 2014) cite the variant as pathogenic/likely pathogenic. Based on the evidence outlined above, the variant was classified as pathogenic.

Labcorp Genetics (formerly Invitae), Labcorp
Classification: Pathogenic for Spastic paraplegia. Last evaluated: 2019-10-14. Review status: criteria provided, single submitter. Criteria: Invitae Variant Classification Sherloc (09022015). Collection method: clinical testing. Allele origin: germline.
Comment: This variant is not present in population databases (ExAC no frequency). This variant has been observed in individuals affected with L1CAM-related conditions (PMID: 8826452, 12725590). ClinVar contains an entry for this variant (Variation ID: 449047). Donor and acceptor splice site variants typically lead to a loss of protein function (PMID: 16199547), and loss-of-function variants in L1CAM are known to be pathogenic (PMID: 19846429). For these reasons, this variant has been classified as Pathogenic. This sequence change affects a donor splice site in intron 10 of the L1CAM gene. It is expected to disrupt RNA splicing and likely results in an absent or disrupted protein product.

Blueprint Genetics
Classification: Pathogenic for L1CAM-related disorders. Last evaluated: 2018-12-27. Review status: criteria provided, single submitter. Criteria: ACMG Guidelines, 2015. Collection method: clinical testing. Allele origin: germline. Affected: yes. Observed: 1 variant allele.

Literature cited by the submitters: PubMed 23820807 (cited by Women's Health and Genetics/Laboratory Corporation of America, LabCorp); PubMed 8826452 (cited by Women's Health and Genetics/Laboratory Corporation of America, LabCorp and Labcorp Genetics (formerly Invitae), Labcorp); PubMed 9610803 (cited by Women's Health and Genetics/Laboratory Corporation of America, LabCorp); PubMed 12725590 (cited by Labcorp Genetics (formerly Invitae), Labcorp); PubMed 16199547 (cited by Labcorp Genetics (formerly Invitae), Labcorp); PubMed 19846429 (cited by Labcorp Genetics (formerly Invitae), Labcorp).